The following is an entry in ClinVar:

ClinVar aggregate classification (germline): Uncertain significance (1 of 4 stars; one submission).

Conditions:
RPGRIP1L-related disorder. Also called: RPGRIP1L-related disorders; RPGRIP1L-related condition. Identifiers: MedGen CN239416.

gnomAD v4.1: 8 of 702,906 alleles (0.0011%); highest among the groups gnomAD compares: African/African-American, 0.014%; no homozygotes.

Submission:

PreventionGenetics, part of Exact Sciences
Classification: Uncertain significance for RPGRIP1L-related condition. Last evaluated: 2026-06-24. Review status: criteria provided, single submitter. Criteria: ACMG Guidelines, 2015. Collection method: clinical testing. Allele origin: germline.
Comment: The RPGRIP1L c.286A>G variant is predicted to result in the amino acid substitution p.Arg96Gly. Of note, in the canonical transcript (NM_015272.4) this variant is intronic (c.230+748A>G) and not predicted to impact splicing (SpliceAI, Jaganathan et al. 2019. PubMed ID: 30661751). To our knowledge, this variant has not been reported in the literature. This variant is reported in 0.020% of alleles in individuals of African descent in gnomAD. At this time, the clinical significance of this variant is uncertain due to the absence of conclusive functional and genetic evidence.

NM_015272.5(RPGRIP1L):c.230+748A>G

Gene: RPGRIP1L (RPGRIP1 like; minus strand). Cytogenetic location: 16q12.2.
Variant type: single nucleotide variant.
Coding change: c.230+748A>G on transcript NM_015272.5 (MANE Select); 748 bases into the intron after coding-DNA position 230, A replaced by G.
Molecular consequence: intron variant. On other transcripts: missense variant (1).
Genome position (GRCh38, 1-based): chr16:53,695,403, T>C on the plus strand (A>G on the coding strand, the complement: RPGRIP1L is on the minus strand). VCF-style: chr16-53695403-T-C. GRCh37 (hg19) VCF-style: chr16-53729315-T-C.
Other names: c.286A>G, p.Arg96Gly (NM_001328422.2); c.230+748A>G (NM_001127897.4, NM_001330538.2, NM_001308334.3); short protein forms R96G.
Identifiers: ClinVar variation 4986006 (VCV004986006.1).
Genomic context (GRCh38, chr16:53,695,403, plus strand): 5'-TGGGTTGTTGAAGTCCACAGAGTAGAAACTGAACTGGAACCACCTCCTTAGGATGGATTC[T>C]AAGCAGAAAAACCCTATTTTCATTCTTCAATGGTTGTCTCACCTTTTCTTTGAACCTAGA-3'